The following is an entry in ClinVar:

NM_003072.5(SMARCA4):c.228G>C (p.Met76Ile)

Gene: SMARCA4 (SWI/SNF related BAF chromatin remodeling complex subunit ATPase 4; plus strand). Cytogenetic location: 19p13.2.
Variant type: single nucleotide variant.
Coding change: c.228G>C on transcript NM_003072.5 (MANE Select); coding-DNA position 228, G replaced by C.
Protein change: p.Met76Ile; replaces methionine 76 with isoleucine.
Molecular consequence: missense variant. On other transcripts: non-coding transcript variant (1).
Genome position (GRCh38, 1-based): chr19:10,985,278, G>C. VCF-style: chr19-10985278-G-C. GRCh37 (hg19) VCF-style: chr19-11095954-G-C.
Other names: c.228G>C, p.Met76Ile (NM_001128844.3, NM_001128845.2, NM_001128846.2 and 4 more transcripts); short protein forms M76I.
Identifiers: ClinVar variation 937418 (VCV000937418.9), dbSNP rs2085924643, ClinGen allele CA404055080.

ClinVar aggregate classification (germline): Uncertain significance (1 of 4 stars; one submission).

Conditions:
Rhabdoid tumor predisposition syndrome 2 (RTPS2). Identifiers: Orphanet 231108, Orphanet 69077, MedGen C2750074, MONDO:0013224, OMIM 613325.

Submission:

Labcorp Genetics (formerly Invitae), Labcorp
Classification: Uncertain significance for Rhabdoid tumor predisposition syndrome 2. Last evaluated: 2022-10-05. Review status: criteria provided, single submitter. Criteria: Invitae Variant Classification Sherloc (09022015). Collection method: clinical testing. Allele origin: germline.
Comment: This sequence change replaces methionine, which is neutral and non-polar, with isoleucine, which is neutral and non-polar, at codon 76 of the SMARCA4 protein (p.Met76Ile). In summary, the available evidence is currently insufficient to determine the role of this variant in disease. Therefore, it has been classified as a Variant of Uncertain Significance. Advanced modeling of protein sequence and biophysical properties (such as structural, functional, and spatial information, amino acid conservation, physicochemical variation, residue mobility, and thermodynamic stability) performed at Invitae indicates that this missense variant is not expected to disrupt SMARCA4 protein function. ClinVar contains an entry for this variant (Variation ID: 937418). This variant has not been reported in the literature in individuals affected with SMARCA4-related conditions. This variant is not present in population databases (gnomAD no frequency).